The following is an entry in ClinVar:

NM_004655.4(AXIN2):c.1883G>A (p.Arg628Gln)

Gene: AXIN2 (axin 2; minus strand). Cytogenetic location: 17q24.1.
Variant type: single nucleotide variant.
Coding change: c.1883G>A on transcript NM_004655.4 (MANE Select); coding-DNA position 1883, G replaced by A.
Protein change: p.Arg628Gln; replaces arginine 628 with glutamine.
Molecular consequence: missense variant. On other transcripts: intron variant (1).
Genome position (GRCh38, 1-based): chr17:65,536,893, C>T on the plus strand (G>A on the coding strand, the complement: AXIN2 is on the minus strand). VCF-style: chr17-65536893-C-T. GRCh37 (hg19) VCF-style: chr17-63533011-C-T.
Other names: c.1713-340G>A (NM_001363813.1); short protein forms R628Q.
Identifiers: ClinVar variation 954363 (VCV000954363.23), dbSNP rs2043931823, ClinGen allele CA400676419.

ClinVar aggregate classification (germline): Uncertain significance. Review status: criteria provided, multiple submitters, no conflicts (2 of 4 stars). 4 submissions from 4 submitters: Uncertain significance (4). Last evaluated 2026-01-26.

Conditions:
Colorectal cancer. Also called: Colorectal cancer, somatic; Malignant Colorectal Neoplasm. Identifiers: MedGen C0346629, MONDO:0005575, OMIM 114500.
Hereditary cancer-predisposing syndrome. Also called: Hereditary neoplastic syndrome; Tumor predisposition; Neoplastic Syndromes, Hereditary; Hereditary Cancer Syndrome. Identifiers: Orphanet 140162, MedGen C0027672, MeSH D009386, MONDO:0015356.
Oligodontia-cancer predisposition syndrome. Also called: TOOTH AGENESIS-COLORECTAL CANCER SYNDROME. Identifiers: Orphanet 300576, MedGen C1837750, MONDO:0012075, OMIM 608615. Disease mechanism: loss of function.

gnomAD v4.1: 10 of 1,613,448 alleles (0.00062%); highest among the groups gnomAD compares: Non-Finnish European, 0.00076%; no homozygotes.

Submissions (4):

Labcorp Genetics (formerly Invitae), Labcorp
Classification: Uncertain significance for Oligodontia-cancer predisposition syndrome. Last evaluated: 2026-01-26. Review status: criteria provided, single submitter. Criteria: Invitae Variant Classification Sherloc (09022015). Collection method: clinical testing. Allele origin: germline.
Comment: This sequence change replaces arginine, which is basic and polar, with glutamine, which is neutral and polar, at codon 628 of the AXIN2 protein (p.Arg628Gln). This variant is not present in population databases (gnomAD no frequency). This variant has not been reported in the literature in individuals affected with AXIN2-related conditions. ClinVar contains an entry for this variant (Variation ID: 954363). Invitae Evidence Modeling of protein sequence and biophysical properties (such as structural, functional, and spatial information, amino acid conservation, physicochemical variation, residue mobility, and thermodynamic stability) indicates that this missense variant is not expected to disrupt AXIN2 protein function with a negative predictive value of 80%. In summary, the available evidence is currently insufficient to determine the role of this variant in disease. Therefore, it has been classified as a Variant of Uncertain Significance.

Center for Genomic Medicine, Rigshospitalet, Copenhagen University Hospital
Classification: Uncertain significance. Last evaluated: 2025-12-29. Review status: criteria provided, single submitter. Criteria: ACMG Guidelines, 2015. Collection method: clinical testing. Allele origin: germline.

Ambry Genetics
Classification: Uncertain significance for Hereditary cancer-predisposing syndrome. Last evaluated: 2025-04-23. Review status: criteria provided, single submitter. Criteria: Ambry Variant Classification Scheme 2023. Collection method: clinical testing. Allele origin: germline.
Comment: The p.R628Q variant (also known as c.1883G>A), located in coding exon 6 of the AXIN2 gene, results from a G to A substitution at nucleotide position 1883. The arginine at codon 628 is replaced by glutamine, an amino acid with highly similar properties. This amino acid position is conserved. In addition, this alteration is predicted to be tolerated by in silico analysis. Since supporting evidence is limited at this time, the clinical significance of this alteration remains unclear.

Baylor Genetics
Classification: Uncertain significance for Colorectal cancer. Last evaluated: 2023-08-02. Review status: criteria provided, single submitter. Criteria: ACMG Guidelines, 2015. Collection method: clinical testing. Allele origin: unknown.